The following is an entry in ClinVar:

ClinVar aggregate classification (germline): Benign/Likely benign. Review status: criteria provided, multiple submitters, no conflicts (2 of 4 stars). 10 submissions from 10 submitters: Benign (1); Likely benign (6). 3 of the submissions do not count toward it. Last evaluated 2026-01-28.

Conditions:
TNNI3K-related disorder. Also called: TNNI3K-related condition.
Atrial conduction disease. Identifiers: Orphanet 436242, MedGen CN221670, MONDO:0014500.

Allele frequency attached by ClinVar (database versions not stated): 1000 Genomes Project 0.00160; 1000 Genomes Project 30x 0.00172; gnomAD exomes 0.00213 and 0.00108; ExAC 0.00099; ESP Exome Variant Server 0.00108; gnomAD 0.00136 and 0.00138; TOPMed 0.00148.
gnomAD v4.1: 3,304 of 1,613,784 alleles (0.2%); highest among the groups gnomAD compares: Non-Finnish European, 0.25%; 11 homozygotes.

Submissions (10):

Labcorp Genetics (formerly Invitae), Labcorp
Classification: Likely benign. Last evaluated: 2026-01-28. Review status: criteria provided, single submitter. Criteria: Invitae Variant Classification Sherloc (09022015). Collection method: clinical testing. Allele origin: germline.

Molecular Diagnostic Laboratory for Inherited Cardiovascular Disease, Montreal Heart Institute
Classification: Likely benign. Last evaluated: 2025-04-09. Review status: criteria provided, single submitter. Criteria: ACMG Guidelines, 2015. Collection method: clinical testing. Allele origin: germline. Affected: no.

Mayo Clinic Laboratories, Mayo Clinic
Classification: Likely benign. Last evaluated: 2025-01-14. Review status: criteria provided, single submitter. Criteria: ACMG Guidelines, 2015. Collection method: clinical testing. Allele origin: germline. Observed: 5 variant alleles.
Comment: BS1, BP4, BP7

Blueprint Genetics
Classification: Likely benign. Last evaluated: 2024-10-24. Review status: criteria provided, single submitter. Criteria: ACMG Guidelines, 2015. Collection method: clinical testing. Allele origin: germline.

ARUP Laboratories, Molecular Genetics and Genomics, ARUP Laboratories
Classification: Benign for Cardiac conduction disease with or without dilated cardiomyopathy 1. Last evaluated: 2024-10-17. Review status: criteria provided, single submitter. Criteria: ARUP Molecular Germline Variant Investigation Process 2024. Collection method: clinical testing. Allele origin: germline.

CeGaT Center for Human Genetics Tuebingen
Classification: Likely benign. Last evaluated: 2024-08-01. Review status: criteria provided, single submitter. Criteria: CeGaT Center For Human Genetics Tuebingen Variant Classification Criteria Version 2. Collection method: clinical testing. Allele origin: germline. Affected: yes. Observed: 3 variant alleles.
Comment: TNNI3K: BP4, BP7

Genome-Nilou Lab
Classification: Likely benign for Cardiac conduction disease with or without dilated cardiomyopathy 1. Last evaluated: 2023-04-11. Review status: criteria provided, single submitter. Criteria: ACMG Guidelines, 2015. Collection method: clinical testing. Allele origin: germline. Affected: no.

PreventionGenetics, part of Exact Sciences
Classification: Likely benign for TNNI3K-related condition. Last evaluated: 2019-02-20. Review status: no assertion criteria provided. Collection method: clinical testing. Allele origin: germline. Not counted in ClinVar's aggregate classification.
Comment: This variant is classified as likely benign based on ACMG/AMP sequence variant interpretation guidelines (Richards et al. 2015 PMID: 25741868, with internal and published modifications).

Clinical Genetics DNA and cytogenetics Diagnostics Lab, Erasmus MC, Erasmus Medical Center
Classification: Likely benign. Review status: no assertion criteria provided. Collection method: clinical testing. Allele origin: germline. Affected: yes. Study: VKGL Data-share Consensus. Not counted in ClinVar's aggregate classification.

Joint Genome Diagnostic Labs from Nijmegen and Maastricht, Radboudumc and MUMC+
Classification: Likely benign. Review status: no assertion criteria provided. Collection method: clinical testing. Allele origin: germline. Affected: yes. Study: VKGL Data-share Consensus. Not counted in ClinVar's aggregate classification.

NM_015978.3(TNNI3K):c.969A>G (p.Lys323=)

Genes: FPGT-TNNI3K (FPGT-TNNI3K readthrough; plus strand), TNNI3K (TNNI3 interacting kinase; plus strand). Cytogenetic location: 1p31.1.
Variant type: single nucleotide variant.
Coding change: c.969A>G on transcript NM_015978.3 (MANE Select); coding-DNA position 969, A replaced by G.
Protein change: p.Lys323=; no amino-acid change (lysine 323 retained).
Molecular consequence: synonymous variant.
Genome position (GRCh38, 1-based): chr1:74,353,302, A>G. VCF-style: chr1-74353302-A-G. GRCh37 (hg19) VCF-style: chr1-74818986-A-G.
Other names: p.Lys323=; c.1272A>G, p.Lys424= (NM_001112808.3, NM_001199327.2).
Identifiers: ClinVar variation 714034 (VCV000714034.42), dbSNP rs141955645, ClinGen allele CA909096.